The following is an entry in ClinVar:

NM_003900.5(SQSTM1):c.444C>T (p.Tyr148=)

Gene: SQSTM1 (sequestosome 1; plus strand). Cytogenetic location: 5q35.3.
Variant type: single nucleotide variant.
Coding change: c.444C>T on transcript NM_003900.5 (MANE Select); coding-DNA position 444, C replaced by T.
Protein change: p.Tyr148=; no amino-acid change (tyrosine 148 retained).
Molecular consequence: synonymous variant.
Genome position (GRCh38, 1-based): chr5:179,824,000, C>T. VCF-style: chr5-179824000-C-T. GRCh37 (hg19) VCF-style: chr5-179251000-C-T.
Other names: c.192C>T, p.Tyr64= (NM_001142298.2, NM_001142299.2); c.444C>T (NM_003900.4).
Identifiers: ClinVar variation 1119324 (VCV001119324.11), dbSNP rs769497182, ClinGen allele CA3600509.
Genomic context (GRCh38, chr5:179,824,000, plus strand): 5'-CGATGGCTGCAATGGGCCTGTGGTAGGAACCCGCTACAAGTGCAGCGTCTGCCCAGACTA[C>T]GACTTGTGTAGCGTCTGCGAGGGAAAGGGCTTGCACCGGGGGCACACCAAGCTCGCATTC-3'
Protein context (NP_003891.1, residues 138-158): TRYKCSVCPD[Tyr148=]DLCSVCEGKG

ClinVar aggregate classification (germline): Likely benign. Review status: criteria provided, single submitter (1 of 4 stars). 2 submissions from 2 submitters: Likely benign (1). 1 of the submissions does not count toward it. Last evaluated 2025-06-27.

Conditions:
Frontotemporal dementia and/or amyotrophic lateral sclerosis 1 (FTDALS1). Also called: C9orf72 Frontotemporal Dementia and/or Amyotrophic Lateral Sclerosis; Frontotemporal dementia with motor neuron disease 1. Identifiers: Orphanet 275872, MedGen C5779877, MONDO:0007105, OMIM 105550.
Paget disease of bone 2, early-onset (PDB2). Also called: Paget disease of bone 2. Identifiers: MedGen C4085251, MONDO:0011183, OMIM 602080.
SQSTM1-related disorder. Also called: SQSTM1-Related Disorders.

Allele frequency attached by ClinVar (database versions not stated): ExAC 0.00001; gnomAD 0.00001; gnomAD exomes 0.00001 and 0.00002; TOPMed 0.00001.
gnomAD v4.1: 26 of 1,613,926 alleles (0.0016%); highest among the groups gnomAD compares: Non-Finnish European, 0.002%; no homozygotes.

Submissions (2):

Labcorp Genetics (formerly Invitae), Labcorp
Classification: Likely benign for Paget disease of bone 2, early-onset; Frontotemporal dementia and/or amyotrophic lateral sclerosis 1. Last evaluated: 2025-06-27. Review status: criteria provided, single submitter. Criteria: Invitae Variant Classification Sherloc (09022015). Collection method: clinical testing. Allele origin: germline.

PreventionGenetics, part of Exact Sciences
Classification: Likely benign for SQSTM1-related condition. Last evaluated: 2023-02-16. Review status: no assertion criteria provided. Collection method: clinical testing. Allele origin: germline. Not counted in ClinVar's aggregate classification.
Comment: This variant is classified as likely benign based on ACMG/AMP sequence variant interpretation guidelines (Richards et al. 2015 PMID: 25741868, with internal and published modifications).